The following is an entry in ClinVar:

NM_000557.5(GDF5):c.1364C>G (p.Ser455Cys)

Genes: GDF5 (growth differentiation factor 5; minus strand), GDF5-AS1 (GDF5 antisense RNA 1; plus strand). Cytogenetic location: 20q11.22.
Variant type: single nucleotide variant.
Coding change: c.1364C>G on transcript NM_000557.5 (MANE Select); coding-DNA position 1364, C replaced by G.
Protein change: p.Ser455Cys; replaces serine 455 with cysteine.
Molecular consequence: missense variant. On other transcripts: non-coding transcript variant (1).
Genome position (GRCh38, 1-based): chr20:35,434,051, G>C on the plus strand (C>G on the coding strand, the complement: GDF5 is on the minus strand). VCF-style: chr20-35434051-G-C. GRCh37 (hg19) VCF-style: chr20-34021849-G-C.
Other names: c.1364C>G, p.Ser455Cys (NM_001319138.2); short protein forms S455C.
Identifiers: ClinVar variation 3673221 (VCV003673221.2).

ClinVar aggregate classification (germline): Uncertain significance (1 of 4 stars; one submission).

gnomAD v4.1: 10 of 1,613,250 alleles (0.00062%); highest among the groups gnomAD compares: Non-Finnish European, 0.00085%; no homozygotes.

Submission:

Labcorp Genetics (formerly Invitae), Labcorp
Classification: Uncertain significance. Last evaluated: 2024-02-11. Review status: criteria provided, single submitter. Criteria: Invitae Variant Classification Sherloc (09022015). Collection method: clinical testing. Allele origin: germline.
Comment: This sequence change replaces serine, which is neutral and polar, with cysteine, which is neutral and slightly polar, at codon 455 of the GDF5 protein (p.Ser455Cys). This variant is not present in population databases (gnomAD no frequency). This variant has not been reported in the literature in individuals affected with GDF5-related conditions. Advanced modeling of protein sequence and biophysical properties (such as structural, functional, and spatial information, amino acid conservation, physicochemical variation, residue mobility, and thermodynamic stability) performed at Invitae indicates that this missense variant is expected to disrupt GDF5 protein function with a positive predictive value of 80%. In summary, the available evidence is currently insufficient to determine the role of this variant in disease. Therefore, it has been classified as a Variant of Uncertain Significance.